The following is an entry in ClinVar:

ClinVar aggregate classification (germline): Benign/Likely benign. Review status: criteria provided, multiple submitters, no conflicts (2 of 4 stars). 2 submissions from 2 submitters: Benign (1); Likely benign (1). Last evaluated 2024-01-22.

Conditions:
Methylmalonic acidemia with homocystinuria, type cblX (MAHCX). Also called: INTELLECTUAL DEVELOPMENTAL DISORDER, X-LINKED 3. Identifiers: Orphanet 369962, MedGen C0796208, MONDO:0010657, OMIM 309541.

Allele frequency attached by ClinVar (database versions not stated): TOPMed 0.00003; ESP Exome Variant Server 0.00010; gnomAD 0.00003.
gnomAD v4.1: 32 of 1,175,373 alleles (0.0027%); highest among the groups gnomAD compares: Middle Eastern, 0.048%; no homozygotes.

Submissions (2):

Labcorp Genetics (formerly Invitae), Labcorp
Classification: Benign for Methylmalonic acidemia with homocystinuria, type cblX. Last evaluated: 2024-01-22. Review status: criteria provided, single submitter. Criteria: Invitae Variant Classification Sherloc (09022015). Collection method: clinical testing. Allele origin: germline.

CeGaT Center for Human Genetics Tuebingen
Classification: Likely benign. Last evaluated: 2023-02-01. Review status: criteria provided, single submitter. Criteria: CeGaT Center For Human Genetics Tuebingen Variant Classification Criteria Version 2. Collection method: clinical testing. Allele origin: germline. Affected: yes. Observed: 1 variant allele.
Comment: HCFC1: BP4, BP7, BS2

NM_005334.3(HCFC1):c.2892G>A (p.Thr964=)

Gene: HCFC1 (host cell factor C1; minus strand). Cytogenetic location: Xq28.
Variant type: single nucleotide variant.
Coding change: c.2892G>A on transcript NM_005334.3 (MANE Select); coding-DNA position 2892, G replaced by A.
Protein change: p.Thr964=; no amino-acid change (threonine 964 retained).
Molecular consequence: synonymous variant.
Genome position (GRCh38, 1-based): chrX:153,955,507, C>T on the plus strand (G>A on the coding strand, the complement: HCFC1 is on the minus strand). VCF-style: chrX-153955507-C-T. GRCh37 (hg19) VCF-style: chrX-153220958-C-T.
Other names: c.2892G>A, p.Thr964= (NM_001410705.1).
Identifiers: ClinVar variation 2661770 (VCV002661770.27), dbSNP rs373448714, ClinGen allele CA10557258.